The following is an entry in ClinVar:

ClinVar aggregate classification (germline): Pathogenic (1 of 4 stars; one submission).

Conditions:
Neurodevelopmental disorder with dysmorphic facies and distal skeletal anomalies. Identifiers: MedGen C5231448, MONDO:0032855, OMIM 618659.

Submission:

Institute of Immunology and Genetics Kaiserslautern
Classification: Pathogenic for Neurodevelopmental disorder with dysmorphic facies and distal skeletal anomalies. Last evaluated: 2024-05-16. Review status: criteria provided, single submitter. Criteria: ACMG Guidelines, 2015. Collection method: clinical testing. Allele origin: paternal. Affected: yes.
Comment: ACMG Criteria: PP1, PM2, PVS1; Variant was found in heterozygous state

NM_020338.4(ZMIZ1):c.2615_2628del (p.Tyr872fs)

Gene: ZMIZ1 (zinc finger MIZ-type containing 1; plus strand). Cytogenetic location: 10q22.3.
Variant type: Deletion.
Coding change: c.2615_2628del on transcript NM_020338.4 (MANE Select); coding-DNA positions 2615 to 2628, 14 bases deleted (ATCCCCTCCCGCCT).
Protein change: p.Tyr872fs; shifts the reading frame from tyrosine 872.
Molecular consequence: frameshift variant.
Genome position (GRCh38, 1-based): chr10:79,306,291-79,306,304, ATCCCCTCCCGCCT deleted; deleting any 14 consecutive bases within chr10:79,306,288-79,306,304 gives the same sequence; the c. name uses the placement nearest the transcript's 3' end. VCF-style (leftmost placement, unchanged base first): chr10-79306287-CCCTATCCCCTCCCG-C. GRCh37 (hg19) VCF-style: chr10-81066044-CCCTATCCCCTCCCG-C.
Other names: short protein forms Y872fs.
Identifiers: ClinVar variation 3251935 (VCV003251935.1), dbSNP rs2492205344.
Genomic context (GRCh38, chr10:79,306,287, plus strand): 5'-AGCCAGATGATCATGCCCAATGTCATGGAGATGATCGCAGCCCTGGGCCCCGGCCCGTCC[CCCTATCCCCTCCCG>C]CCTCCCCCAGGGGGCACCAACTCCAACGACTACAGCAGCCAAGGTGGGTGATGCCAGGCA-3'